The following is an entry in ClinVar:

ClinVar aggregate classification (germline): Uncertain significance (1 of 4 stars; one submission).

Allele frequency attached by ClinVar (database versions not stated): gnomAD exomes below 0.00001; ExAC 0.00001.

Submission:

Labcorp Genetics (formerly Invitae), Labcorp
Classification: Uncertain significance. Last evaluated: 2021-10-03. Review status: criteria provided, single submitter. Criteria: Invitae Variant Classification Sherloc (09022015). Collection method: clinical testing. Allele origin: germline.
Comment: In summary, the available evidence is currently insufficient to determine the role of this variant in disease. Therefore, it has been classified as a Variant of Uncertain Significance. Advanced modeling of protein sequence and biophysical properties (such as structural, functional, and spatial information, amino acid conservation, physicochemical variation, residue mobility, and thermodynamic stability) performed at Invitae indicates that this missense variant is not expected to disrupt DCHS1 protein function. This variant has not been reported in the literature in individuals affected with DCHS1-related conditions. This variant is present in population databases (rs750696447, ExAC 0.002%). This sequence change replaces arginine with glycine at codon 1570 of the DCHS1 protein (p.Arg1570Gly). The arginine residue is highly conserved and there is a moderate physicochemical difference between arginine and glycine.

NM_003737.4(DCHS1):c.4708C>G (p.Arg1570Gly)

Gene: DCHS1 (dachsous cadherin-related 1; minus strand). Cytogenetic location: 11p15.4.
Variant type: single nucleotide variant.
Coding change: c.4708C>G on transcript NM_003737.4 (MANE Select); coding-DNA position 4708, C replaced by G.
Protein change: p.Arg1570Gly; replaces arginine 1570 with glycine.
Molecular consequence: missense variant.
Genome position (GRCh38, 1-based): chr11:6,630,086, G>C on the plus strand (C>G on the coding strand, the complement: DCHS1 is on the minus strand). VCF-style: chr11-6630086-G-C. GRCh37 (hg19) VCF-style: chr11-6651317-G-C.
Other names: short protein forms R1570G.
Identifiers: ClinVar variation 1384352 (VCV001384352.6), dbSNP rs750696447, ClinGen allele CA5860301.